The following is an entry in ClinVar:

NM_014915.3(ANKRD26):c.2606A>T (p.Gln869Leu)

Gene: ANKRD26 (ankyrin repeat domain containing 26; minus strand). Cytogenetic location: 10p12.1.
Variant type: single nucleotide variant.
Coding change: c.2606A>T on transcript NM_014915.3 (MANE Select); coding-DNA position 2606, A replaced by T.
Protein change: p.Gln869Leu; replaces glutamine 869 with leucine.
Molecular consequence: missense variant.
Genome position (GRCh38, 1-based): chr10:27,037,277, T>A on the plus strand (A>T on the coding strand, the complement: ANKRD26 is on the minus strand). VCF-style: chr10-27037277-T-A. GRCh37 (hg19) VCF-style: chr10-27326206-T-A.
Other names: c.2603A>T, p.Gln868Leu (NM_001256053.2); short protein forms Q868L, Q869L.
Identifiers: ClinVar variation 4103053 (VCV004103053.1).

ClinVar aggregate classification (germline): Uncertain significance (1 of 4 stars; one submission).

Conditions:
Inborn genetic diseases. Identifiers: MedGen C0950123, MeSH D030342.

Submission:

Ambry Genetics
Classification: Uncertain significance for Inborn genetic diseases. Last evaluated: 2025-06-26. Review status: criteria provided, single submitter. Criteria: Ambry Variant Classification Scheme 2023. Collection method: clinical testing. Allele origin: germline.
Comment: The p.Q869L variant (also known as c.2606A>T), located in coding exon 23 of the ANKRD26 gene, results from an A to T substitution at nucleotide position 2606. The glutamine at codon 869 is replaced by leucine, an amino acid with dissimilar properties. This amino acid position is conserved. In addition, this alteration is predicted to be tolerated by in silico analysis. Based on the available evidence, the clinical significance of this variant remains unclear.